The following is an entry in ClinVar:

NM_020203.6(MEPE):c.981A>G (p.Ala327=)

Genes: MEPE (matrix extracellular phosphoglycoprotein; plus strand), MEPE-AS1 (MEPE and IBSP antisense RNA 1; minus strand). Cytogenetic location: 4q22.1.
Variant type: single nucleotide variant.
Coding change: c.981A>G on transcript NM_020203.6 (MANE Select); coding-DNA position 981, A replaced by G.
Protein change: p.Ala327=; no amino-acid change (alanine 327 retained).
Molecular consequence: synonymous variant.
Genome position (GRCh38, 1-based): chr4:87,845,849, A>G. VCF-style: chr4-87845849-A-G. GRCh37 (hg19) VCF-style: chr4-88767001-A-G.
Other names: c.981A>G, p.Ala327= (NM_001184694.3); c.642A>G, p.Ala214= (NM_001184695.4, NM_001184696.2, NM_001184697.2); c.1074A>G, p.Ala358= (NM_001291183.2).
Identifiers: ClinVar variation 2654935 (VCV002654935.24), dbSNP rs754920155, ClinGen allele CA3002766.

ClinVar aggregate classification (germline): Likely benign (1 of 4 stars; one submission).

Allele frequency attached by ClinVar (database versions not stated): TOPMed 0.00002; ExAC 0.00003; gnomAD 0.00003; gnomAD exomes 0.00004.

Submission:

CeGaT Center for Human Genetics Tuebingen
Classification: Likely benign. Last evaluated: 2023-02-01. Review status: criteria provided, single submitter. Criteria: CeGaT Center For Human Genetics Tuebingen Variant Classification Criteria Version 2. Collection method: clinical testing. Allele origin: germline. Affected: yes. Observed: 1 variant allele.
Comment: MEPE: BP4, BP7